The following is an entry in ClinVar:

NM_016042.4(EXOSC3):c.*881A>G

Gene: EXOSC3 (exosome component 3; minus strand). Cytogenetic location: 9p13.2.
Variant type: single nucleotide variant.
Coding change: c.*881A>G on transcript NM_016042.4 (MANE Select); 881 bases downstream of the stop codon, A replaced by G.
Molecular consequence: 3 prime UTR variant.
Genome position (GRCh38, 1-based): chr9:37,779,798, T>C on the plus strand (A>G on the coding strand, the complement: EXOSC3 is on the minus strand). VCF-style: chr9-37779798-T-C. GRCh37 (hg19) VCF-style: chr9-37779795-T-C.
Other names: c.*1062A>G (NM_001002269.2).
Identifiers: ClinVar variation 366868 (VCV000366868.5), dbSNP rs143319153, ClinGen allele CA10627324.

ClinVar aggregate classification (germline): Likely benign (1 of 4 stars; one submission).

Conditions:
Pontocerebellar hypoplasia type 1B. Also called: EXOSC3 Pontocerebellar Hypoplasia. Identifiers: Orphanet 2254, MedGen C3553449, MONDO:0013853, OMIM 614678.

Allele frequency attached by ClinVar (database versions not stated): gnomAD 0.00312 and 0.00332; TOPMed 0.00361; 1000 Genomes Project 0.00379.

Submission:

Illumina Laboratory Services, Illumina
Classification: Likely benign for Pontocerebellar hypoplasia type 1B. Last evaluated: 2018-01-13. Review status: criteria provided, single submitter. Criteria: ICSL Variant Classification Criteria 13 December 2019. Collection method: clinical testing. Allele origin: germline.
Comment: This variant was observed in the ICSL laboratory as part of a predisposition screen in an ostensibly healthy population. It had not been previously curated by ICSL or reported in the Human Gene Mutation Database (HGMD: prior to June 1st, 2018), and was therefore a candidate for classification through an automated scoring system. Utilizing variant allele frequency, disease prevalence and penetrance estimates, and inheritance mode, an automated score was calculated to assess if this variant is too frequent to cause the disease. Based on the score and internal cut-off values, a variant classified as likely benign is not then subjected to further curation. The score for this variant resulted in a classification of likely benign for this disease.